The following is an entry in ClinVar:

ClinVar aggregate classification (germline): Uncertain significance (1 of 4 stars; one submission).

Submission:

Labcorp Genetics (formerly Invitae), Labcorp
Classification: Uncertain significance. Last evaluated: 2022-10-13. Review status: criteria provided, single submitter. Criteria: Invitae Variant Classification Sherloc (09022015). Collection method: clinical testing. Allele origin: germline.
Comment: This variant results in a copy number gain of the genomic region encompassing exon(s) 1 of the RP2 gene. This region includes the initiator codon of the gene. This copy number gain extends beyond the assayed region for this gene and therefore may encompass additional genes. As the precise location of this event is unknown, it may be in tandem or it may be located elsewhere in the genome. This variant has not been reported in the literature in individuals affected with RP2-related conditions. In summary, the available evidence is currently insufficient to determine the role of this variant in disease. Therefore, it has been classified as a Variant of Uncertain Significance.

NC_000023.10:g.(?_46696536)_(46696657_?)dup

Gene: RP2 (RP2 activator of ARL3 GTPase; plus strand). Cytogenetic location: Xp11.23.
Variant type: Duplication.
Identifiers: ClinVar variation 1442631 (VCV001442631.4).